The following is an entry in ClinVar:

NM_016010.3(ZC2HC1A):c.382A>T (p.Arg128Ter)

Genes: IL7 (interleukin 7; minus strand), ZC2HC1A (zinc finger C2HC-type containing 1A; plus strand). Cytogenetic location: 8q21.13.
Variant type: single nucleotide variant.
Coding change: c.382A>T on transcript NM_016010.3 (MANE Select); coding-DNA position 382, A replaced by T.
Protein change: p.Arg128Ter; replaces arginine 128 with a stop codon.
Molecular consequence: nonsense. On other transcripts: non-coding transcript variant (1).
Genome position (GRCh38, 1-based): chr8:78,689,251, A>T. VCF-style: chr8-78689251-A-T. GRCh37 (hg19) VCF-style: chr8-79601486-A-T.
Other names: c.382A>T, p.Arg128Ter (NM_001362969.2); short protein forms R128*.
Identifiers: ClinVar variation 2672195 (VCV002672195.1), dbSNP rs2487855826, ClinGen allele CA371560271.

ClinVar aggregate classification (germline): Uncertain significance (1 of 4 stars; one submission).

Submission:

Clinical Genomics Laboratory, Washington University in St. Louis
Classification: Uncertain significance. Last evaluated: 2023-08-05. Review status: criteria provided, single submitter. Criteria: ACMG Guidelines, 2015. Collection method: clinical testing. Allele origin: germline.
Comment: The ZC2HC1A c.382A>T (p.Arg128*) variant, to our knowledge, has not been reported in the medical literature and is absent from the general population (gnomAD v.2.1.1), indicating it is not a common variant. This variant causes a premature termination codon and is predicted to lead to nonsense mediated decay. Due to limited information, the clinical significance of this variant is uncertain.